The following is an entry in ClinVar:

NM_021629.4(GNB4):c.296G>A (p.Trp99Ter)

Gene: GNB4 (G protein subunit beta 4; minus strand). Cytogenetic location: 3q26.33.
Variant type: single nucleotide variant.
Coding change: c.296G>A on transcript NM_021629.4 (MANE Select); coding-DNA position 296, G replaced by A.
Protein change: p.Trp99Ter; replaces tryptophan 99 with a stop codon.
Molecular consequence: nonsense.
Genome position (GRCh38, 1-based): chr3:179,415,019, C>T on the plus strand (G>A on the coding strand, the complement: GNB4 is on the minus strand). VCF-style: chr3-179415019-C-T. GRCh37 (hg19) VCF-style: chr3-179132807-C-T.
Other names: short protein forms W99*.
Identifiers: ClinVar variation 3012448 (VCV003012448.3), dbSNP rs1251905682, ClinGen allele CA355470165.
Genomic context (GRCh38, chr3:179,415,019, plus strand): 5'-TTGTCCAAGCCTCCACAGGCAACATAATTACCAGAGGGAGCATAAGCACAGGTCATCACC[C>T]AGGAGGACCTCAAAGGAATAGCATGCATCTGTAGGGCACACACCACACATCACTCAGATT-3'

ClinVar aggregate classification (germline): Uncertain significance (1 of 4 stars; one submission).

Conditions:
Charcot-Marie-Tooth disease dominant intermediate F. Identifiers: Orphanet 352670, MedGen C4749463, MONDO:0014074, OMIM 615185.

Allele frequency attached by ClinVar (database versions not stated): gnomAD exomes below 0.00001; TOPMed below 0.00001; gnomAD 0.00001.
gnomAD v4.1: 2 of 1,606,280 alleles (0.00012%); highest among the groups gnomAD compares: African/African-American, 0.0013%; no homozygotes.

Submission:

Labcorp Genetics (formerly Invitae), Labcorp
Classification: Uncertain significance for Charcot-Marie-Tooth disease dominant intermediate F. Last evaluated: 2024-01-13. Review status: criteria provided, single submitter. Criteria: Invitae Variant Classification Sherloc (09022015). Collection method: clinical testing. Allele origin: germline.
Comment: This sequence change creates a premature translational stop signal (p.Trp99*) in the GNB4 gene. It is expected to result in an absent or disrupted protein product. However, the current clinical and genetic evidence is not sufficient to establish whether loss-of-function variants in GNB4 cause disease. This variant is not present in population databases (gnomAD no frequency). This variant has not been reported in the literature in individuals affected with GNB4-related conditions. Algorithms developed to predict the effect of sequence changes on RNA splicing suggest that this variant may disrupt the consensus splice site. In summary, the available evidence is currently insufficient to determine the role of this variant in disease. Therefore, it has been classified as a Variant of Uncertain Significance.